The following is an entry in ClinVar:

ClinVar aggregate classification (germline): Conflicting classifications of pathogenicity. Review status: criteria provided, conflicting classifications (1 of 4 stars). 6 submissions from 6 submitters: Likely pathogenic (5); Uncertain significance (1). Last evaluated 2026-04-14.

Conditions:
Familial intrahepatic cholestasis. Identifiers: Orphanet 284385, MedGen CN296401, MONDO:0017290.
Progressive familial intrahepatic cholestasis type 2. Identifiers: Orphanet 79304, MedGen C3489789, MONDO:0011156, OMIM 601847.
ABCB11-related disorder. Also called: ABCB11-related condition.
Benign recurrent intrahepatic cholestasis type 2 (BRIC2). Also called: Recurrent familial intrahepatic cholestasis 2. Identifiers: Orphanet 65682, Orphanet 99961, MedGen C2608083, MONDO:0011559, OMIM 605479.

Allele frequency attached by ClinVar (database versions not stated): TOPMed below 0.00001; gnomAD exomes 0.00001; gnomAD 0.00002.
gnomAD v4.1: 13 of 1,612,152 alleles (0.00081%); highest among the groups gnomAD compares: Non-Finnish European, 0.0011%; no homozygotes.

Submissions (6):

Genomenon, Inc
Classification: Likely pathogenic for Familial intrahepatic cholestasis. Last evaluated: 2026-04-14. Review status: criteria provided, single submitter. Criteria: Genomenon Sequence Variant Interpretation Standards - Updated. Collection method: curation. Allele origin: germline. Affected: yes.
Comment: ABCB11 p.Thr463Ile (c.1388C>T) is a missense variant that changes the amino acid at residue 463 from Threonine to Isoleucine. This variant has been observed in at least one proband with an ABCB11-related disorder (PMID:32433800;18395098). It has been observed in trans with a pathogenic or likely pathogenic variant (PMID:32433800). At least one functional study has demonstrated a substantial alteration in protein function relative to the wild-type (PMID:36142670;32433800). Splicing studies have been reported (PMID:19101985). It is absent or not present at a significant frequency in gnomAD. In silico models predict that this variant is possibly or probably damaging. In conclusion, we classify ABCB11 p.Thr463Ile (c.1388C>T) as a likely pathogenic variant.

PreventionGenetics, part of Exact Sciences
Classification: Uncertain significance for ABCB11-related condition. Last evaluated: 2025-10-09. Review status: criteria provided, single submitter. Criteria: ACMG Guidelines, 2015. Collection method: clinical testing. Allele origin: germline.
Comment: The ABCB11 c.1388C>T variant is predicted to result in the amino acid substitution p.Thr463Ile. This variant was reported with another ABCB11 variant and in the heterozygous state in individuals with progressive cholestatic liver disease (Strautnieks et al. 2008. PubMed ID: 18395098; Byrne et al. 2009. PubMed ID: 19101985). Analysis of protein structure suggest that the p.Thr463Ile variant may alter protein size, hydrophobicity or polarity, and shape (Strautnieks et al. 2008. PubMed ID: 18395098) and in vitro studies showed that this variant led to mild exon skipping and partial loss of activity (Byrne et al. 2009. PubMed ID: 19101985; Mareux et al. 2022. PubMed ID: 36142670). This variant is reported in 0.0065% of alleles in individuals of European (Non-Finnish) descent in gnomAD. Although we suspect that this variant may be pathogenic, at this time, the clinical significance of this variant is uncertain due to the absence of conclusive functional and genetic evidence.

Natera, Inc.
Classification: Likely pathogenic for Progressive familial intrahepatic cholestasis type 2. Last evaluated: 2025-05-08. Review status: criteria provided, single submitter. Criteria: Natera Variant Classification Schema (03/2026). Collection method: clinical testing. Allele origin: germline.
Comment: The c.1388C>T variant in ABCB11 is a missense variant predicted to cause substitution of threonine to isoleucine at amino acid 463. This variant is rare in the general population with a frequency below the threshold expected for the associated phenotype(s). This variant has been observed in one or more individuals affected with the associated recessive disease, as either homozygous or compound heterozygous with a second variant (PMID: 18395098, 32702170). Computational prediction algorithms indicate this variant is likely to affect gene or protein function. Given the available evidence, this variant is classified as Likely Pathogenic.

Broad Center for Mendelian Genomics, Broad Institute of MIT and Harvard
Classification: Likely pathogenic for Progressive familial intrahepatic cholestasis type 2. Last evaluated: 2025-01-27. Review status: criteria provided, single submitter. Criteria: ACMG Guidelines, 2015. Collection method: curation. Allele origin: germline. Inheritance: Autosomal recessive inheritance.
Comment: The p.Thr463Ile variant in ABCB11 has been reported in two individuals with BSEP deficiency (PMID: 18395098, 32433800, DOI:10.33612:diss.133430251), and has been identified in 0.001% (13/1178722) of European (non-Finnish) chromosomes by the Genome Aggregation Database (gnomAD; dbSNP rs1163486377). Although this variant has been seen in the general population in a heterozygous state, its frequency is low enough to be consistent with a recessive carrier frequency. Of the two affected individuals, one was a compound heterozygote that carried a reported pathogenic variant in trans, which increases the likelihood that the p.Thr463Ile variant is pathogenic (Variation ID: 6589; PMID: 32433800). In vitro functional studies provide some evidence that the p.Thr463Ile variant may impact protein function (PMID: 19101985, 32433800, 36142670). However, these types of assays may not accurately represent biological function. Computational prediction tools and conservation analyses suggest that this variant may impact the protein, though this information is not predictive enough to determine pathogenicity. The p.Thr463Ile variant is located in a region of ABCB11 that is essential to protein folding and stability, suggesting that this variant is in a functional domain and slightly supports pathogenicity (PMID: 18395098, 22001980, 32433800, 36142670). In summary, although additional studies are required to fully establish its clinical significance, this variant is likely pathogenic for autosomal recessive BSEP deficiency. ACMG/AMP Criteria applied: PS3_supporting, PP3_moderate, PM1_supporting, PM2_supporting, PM3 (Richards 2015).

Fulgent Genetics
Classification: Likely pathogenic for Progressive familial intrahepatic cholestasis type 2; Benign recurrent intrahepatic cholestasis type 2. Last evaluated: 2024-04-19. Review status: criteria provided, single submitter. Criteria: ACMG Guidelines, 2015. Collection method: clinical testing. Allele origin: germline.

Baylor Genetics
Classification: Likely pathogenic for Benign recurrent intrahepatic cholestasis type 2. Last evaluated: 2023-11-18. Review status: criteria provided, single submitter. Criteria: ACMG Guidelines, 2015. Collection method: clinical testing. Allele origin: unknown.

Literature cited by the submitters: PubMed 32433800 (cited by Genomenon, Inc and Broad Center for Mendelian Genomics, Broad Institute of MIT and Harvard); PubMed 18395098 (cited by Genomenon, Inc and Natera, Inc.); PubMed 36142670 (cited by Genomenon, Inc and Broad Center for Mendelian Genomics, Broad Institute of MIT and Harvard); PubMed 19101985 (cited by Genomenon, Inc); PubMed 32702170 (cited by Natera, Inc.).

NM_003742.4(ABCB11):c.1388C>T (p.Thr463Ile)

Gene: ABCB11 (ATP binding cassette subfamily B member 11; minus strand). Cytogenetic location: 2q31.1.
Variant type: single nucleotide variant.
Coding change: c.1388C>T on transcript NM_003742.4 (MANE Select); coding-DNA position 1388, C replaced by T.
Protein change: p.Thr463Ile; replaces threonine 463 with isoleucine.
Molecular consequence: missense variant.
Genome position (GRCh38, 1-based): chr2:168,973,761, G>A on the plus strand (C>T on the coding strand, the complement: ABCB11 is on the minus strand). VCF-style: chr2-168973761-G-A. GRCh37 (hg19) VCF-style: chr2-169830271-G-A.
Other names: c.1388C>T (NM_003742.2); short protein forms T463I.
Identifiers: ClinVar variation 2679668 (VCV002679668.7), dbSNP rs1163486377, ClinGen allele CA349117177.
Genomic context (GRCh38, chr2:168,973,761, plus strand): 5'-TGGAAGACACCCACCATTCCTTCACAGGGGTCATAGAATCGCTGAATGAGTTGCAGTGCT[G>A]TACTTTTTCCAGCTCCACTGGGTCCTACCAGAGCTGTCATTTCCCCTGGTTTAATGACCA-3'
Protein context (NP_003733.2, residues 453-473): LVGPSGAGKS[Thr463Ile]ALQLIQRFYD